The following is an entry in ClinVar:

NM_002473.6(MYH9):c.2598C>G (p.Asn866Lys)

Gene: MYH9 (myosin heavy chain 9; minus strand). Cytogenetic location: 22q12.3.
Variant type: single nucleotide variant.
Coding change: c.2598C>G on transcript NM_002473.6 (MANE Select); coding-DNA position 2598, C replaced by G.
Protein change: p.Asn866Lys; replaces asparagine 866 with lysine.
Molecular consequence: missense variant.
Genome position (GRCh38, 1-based): chr22:36,301,567, G>C on the plus strand (C>G on the coding strand, the complement: MYH9 is on the minus strand). VCF-style: chr22-36301567-G-C. GRCh37 (hg19) VCF-style: chr22-36697613-G-C.
Other names: short protein forms N866K.
Identifiers: ClinVar variation 341519 (VCV000341519.10), dbSNP rs750718366, ClinGen allele CA10209927.
Genomic context (GRCh38, chr22:36,301,567, plus strand): 5'-CTGGACTGAGCCTGCACTGACACCCACCTGAGACTGCAGCGTCTCCATCTCCGTGAGCCT[G>C]TTCTCCGCAGCCAGCTGCTTCTCTCTGACCTTCACCAGCTCCTCCTCCTTGGCCATCATC-3'
Protein context (NP_002464.1, residues 856-876): KVREKQLAAE[Asn866Lys]RLTEMETLQS

ClinVar aggregate classification (germline): Conflicting classifications of pathogenicity. Review status: criteria provided, conflicting classifications (1 of 4 stars). 5 submissions from 4 submitters: Uncertain significance (3); Benign (2). Last evaluated 2024-03-20.

Conditions:
MYH9-related disorder. Identifiers: MedGen C1854520.
Autosomal dominant nonsyndromic hearing loss 17. Also called: Autosomal dominant nonsyndromic deafness 17; Deafness, autosomal dominant 17. Identifiers: Orphanet 90635, MedGen C1863659, MONDO:0011350, OMIM 603622.
Inborn genetic diseases. Identifiers: MedGen C0950123, MeSH D030342.

Allele frequency attached by ClinVar (database versions not stated): gnomAD 0.00001 and 0.00002; TOPMed 0.00001; gnomAD exomes 0.00002 and 0.00004; ExAC 0.00003.
gnomAD v4.1: 33 of 1,613,722 alleles (0.002%); highest among the groups gnomAD compares: South Asian, 0.032%; no homozygotes.

Submissions (5):

Labcorp Genetics (formerly Invitae), Labcorp
Classification: Benign. Last evaluated: 2024-03-20. Review status: criteria provided, single submitter. Criteria: Invitae Variant Classification Sherloc (09022015). Collection method: clinical testing. Allele origin: germline.

Ambry Genetics
Classification: Uncertain significance for Inborn genetic diseases. Last evaluated: 2022-12-15. Review status: criteria provided, single submitter. Criteria: Ambry Variant Classification Scheme 2023. Collection method: clinical testing. Allele origin: germline.

GeneDx
Classification: Uncertain significance. Last evaluated: 2021-01-26. Review status: criteria provided, single submitter. Criteria: GeneDx Variant Classification Process June 2021. Collection method: clinical testing. Allele origin: germline. Affected: yes.
Comment: In silico analysis supports that this missense variant does not alter protein structure/function; Has not been previously published as pathogenic or benign to our knowledge

Illumina Laboratory Services, Illumina
Classification: Uncertain significance for Autosomal dominant nonsyndromic hearing loss 17. Last evaluated: 2018-01-13. Review status: criteria provided, single submitter. Criteria: ICSL Variant Classification Criteria 13 December 2019. Collection method: clinical testing. Allele origin: germline.

Illumina Laboratory Services, Illumina
Classification: Benign for MYH9-related disorder. Last evaluated: 2018-01-13. Review status: criteria provided, single submitter. Criteria: ICSL Variant Classification Criteria 13 December 2019. Collection method: clinical testing. Allele origin: germline.
Comment: This variant was observed in the ICSL laboratory as part of a predisposition screen in an ostensibly healthy population. It had not been previously curated by ICSL or reported in the Human Gene Mutation Database (HGMD: prior to June 1st, 2018), and was therefore a candidate for classification through an automated scoring system. Utilizing variant allele frequency, disease prevalence and penetrance estimates, and inheritance mode, an automated score was calculated to assess if this variant is too frequent to cause the disease. Based on the score and internal cut-off values, a variant classified as benign is not then subjected to further curation. The score for this variant resulted in a classification of benign for this disease.